The following is an entry in ClinVar:

NM_004415.4(DSP):c.6693_6699del (p.Thr2232fs)

Gene: DSP (desmoplakin; plus strand). Cytogenetic location: 6p24.3.
Variant type: Deletion.
Coding change: c.6693_6699del on transcript NM_004415.4 (MANE Select); coding-DNA positions 6693 to 6699, 7 bases deleted (CACTGTC; older notation c.6693_6699delCACTGTC).
Protein change: p.Thr2232fs; shifts the reading frame from threonine 2232.
Molecular consequence: frameshift variant.
Genome position (GRCh38, 1-based): chr6:7,583,955-7,583,961, CACTGTC deleted; deleting any 7 consecutive bases within chr6:7,583,952-7,583,961 gives the same sequence; the c. name uses the placement nearest the transcript's 3' end. VCF-style (leftmost placement, unchanged base first): chr6-7583951-CGTCCACT-C. GRCh37 (hg19) VCF-style: chr6-7584184-CGTCCACT-C.
Other names: c.4896_4902del, p.Thr1633fs (NM_001008844.3); c.5364_5370del, p.Thr1789fs (NM_001319034.2); short protein forms T1633fs, T1789fs, T2232fs.
Identifiers: ClinVar variation 3755443 (VCV003755443.2).

ClinVar aggregate classification (germline): Pathogenic (1 of 4 stars; one submission).

Conditions:
Arrhythmogenic right ventricular dysplasia 8 (ARVD8). Also called: Arrhythmogenic Right Ventricular Dysplasia/Cardiomyopathy 8; ARRHYTHMOGENIC RIGHT VENTRICULAR DYSPLASIA, FAMILIAL, 8; ARRHYTHMOGENIC RIGHT VENTRICULAR CARDIOMYOPATHY 8. Identifiers: MedGen C1843896, MONDO:0011831, OMIM 607450.
Arrhythmogenic cardiomyopathy with wooly hair and keratoderma. Also called: PALMOPLANTAR KERATODERMA WITH LEFT VENTRICULAR CARDIOMYOPATHY AND WOOLLY HAIR; Carvajal syndrome; Dilated cardiomyopathy with woolly hair and keratoderma; Arrhythmogenic cardiomyopathy with woolly hair and keratoderma. Identifiers: Orphanet 65282, MedGen C1854063, MONDO:0011581, OMIM 605676.

Submission:

Labcorp Genetics (formerly Invitae), Labcorp
Classification: Pathogenic for Arrhythmogenic cardiomyopathy with wooly hair and keratoderma; Arrhythmogenic right ventricular dysplasia 8. Last evaluated: 2024-03-21. Review status: criteria provided, single submitter. Criteria: Invitae Variant Classification Sherloc (09022015). Collection method: clinical testing. Allele origin: germline.
Comment: This sequence change creates a premature translational stop signal (p.Thr2232Metfs*27) in the DSP gene. While this is not anticipated to result in nonsense mediated decay, it is expected to disrupt the last 640 amino acid(s) of the DSP protein. This variant is not present in population databases (gnomAD no frequency). This variant has not been reported in the literature in individuals affected with DSP-related conditions. This variant disrupts a region of the DSP protein in which other variant(s) (p.Gln2730Serfs*16) have been determined to be pathogenic (PMID: 27532257, 28527814; Invitae). This suggests that this is a clinically significant region of the protein, and that variants that disrupt it are likely to be disease-causing. For these reasons, this variant has been classified as Pathogenic.

Literature cited by the submitters: PubMed 27532257; PubMed 28527814.